The following is an entry in ClinVar:

NM_002098.6(GUCA1B):c.385C>T (p.Arg129Trp)

Gene: GUCA1B (guanylate cyclase activator 1B; minus strand). Cytogenetic location: 6p21.1.
Variant type: single nucleotide variant.
Coding change: c.385C>T on transcript NM_002098.6 (MANE Select); coding-DNA position 385, C replaced by T.
Protein change: p.Arg129Trp; replaces arginine 129 with tryptophan.
Molecular consequence: missense variant.
Genome position (GRCh38, 1-based): chr6:42,185,770, G>A on the plus strand (C>T on the coding strand, the complement: GUCA1B is on the minus strand). VCF-style: chr6-42185770-G-A. GRCh37 (hg19) VCF-style: chr6-42153508-G-A.
Other names: short protein forms R129W.
Identifiers: ClinVar variation 2070393 (VCV002070393.5), dbSNP rs1242154896, ClinGen allele CA364112498.

ClinVar aggregate classification (germline): Uncertain significance. Review status: criteria provided, multiple submitters, no conflicts (2 of 4 stars). 2 submissions from 2 submitters: Uncertain significance (2). Last evaluated 2022-07-22.

Allele frequency attached by ClinVar (database versions not stated): gnomAD 0.00001; gnomAD exomes below 0.00001; TOPMed below 0.00001.

Submissions (2):

Labcorp Genetics (formerly Invitae), Labcorp
Classification: Uncertain significance. Last evaluated: 2022-07-22. Review status: criteria provided, single submitter. Criteria: Invitae Variant Classification Sherloc (09022015). Collection method: clinical testing. Allele origin: germline.
Comment: Algorithms developed to predict the effect of missense changes on protein structure and function (SIFT, PolyPhen-2, Align-GVGD) all suggest that this variant is likely to be tolerated. This variant has not been reported in the literature in individuals affected with GUCA1B-related conditions. This variant is present in population databases (no rsID available, gnomAD 0.006%). This sequence change replaces arginine, which is basic and polar, with tryptophan, which is neutral and slightly polar, at codon 129 of the GUCA1B protein (p.Arg129Trp). In summary, the available evidence is currently insufficient to determine the role of this variant in disease. Therefore, it has been classified as a Variant of Uncertain Significance.

Ambry Genetics
Classification: Uncertain significance. Last evaluated: 2022-01-31. Review status: criteria provided, single submitter. Criteria: Ambry Variant Classification Scheme 2023. Collection method: clinical testing. Allele origin: germline.